The following is an entry in ClinVar:

NM_000342.4(SLC4A1):c.1421C>A (p.Ala474Asp)

Gene: SLC4A1 (solute carrier family 4 member 1 (Diego blood group); minus strand). Cytogenetic location: 17q21.31.
Variant type: single nucleotide variant.
Coding change: c.1421C>A on transcript NM_000342.4 (MANE Select); coding-DNA position 1421, C replaced by A.
Protein change: p.Ala474Asp; replaces alanine 474 with aspartic acid.
Molecular consequence: missense variant.
Genome position (GRCh38, 1-based): chr17:44,257,669, G>T on the plus strand (C>A on the coding strand, the complement: SLC4A1 is on the minus strand). VCF-style: chr17-44257669-G-T. GRCh37 (hg19) VCF-style: chr17-42335037-G-T.
Other names: short protein forms A474D.
Identifiers: ClinVar variation 2436059 (VCV002436059.4), dbSNP rs770185997, ClinGen allele CA399787207.

ClinVar aggregate classification (germline): Uncertain significance. Review status: criteria provided, multiple submitters, no conflicts (2 of 4 stars). 2 submissions from 2 submitters: Uncertain significance (2). Last evaluated 2025-09-24.

Conditions:
Hereditary spherocytosis type 4. Also called: SLC4A1-Related Spherocytosis. Identifiers: Orphanet 822, MedGen C2675212, MONDO:0012981, OMIM 612653.

gnomAD v4.1: 1 of 1,613,774 alleles (0.000062%); no homozygotes.

Submissions (2):

Institute of Human Genetics, University of Leipzig Medical Center
Classification: Uncertain significance for Hereditary spherocytosis type 4. Last evaluated: 2025-09-24. Review status: criteria provided, single submitter. Criteria: ACMG Guidelines, 2015. Collection method: clinical testing. Allele origin: unknown. Inheritance: Autosomal dominant inheritance. Affected: yes.
Comment: Criteria applied: PS4_SUP,PM2_SUP,PP3

Revvity Omics, Revvity
Classification: Uncertain significance. Last evaluated: 2022-12-09. Review status: criteria provided, single submitter. Criteria: ACMG Guidelines, 2015. Collection method: clinical testing. Allele origin: germline.